The following is an entry in ClinVar:

NM_000552.5(VWF):c.7433G>A (p.Arg2478Gln)

Gene: VWF (von Willebrand factor; minus strand). Cytogenetic location: 12p13.31.
Variant type: single nucleotide variant.
Coding change: c.7433G>A on transcript NM_000552.5 (MANE Select); coding-DNA position 7433, G replaced by A.
Protein change: p.Arg2478Gln; replaces arginine 2478 with glutamine.
Molecular consequence: missense variant.
Genome position (GRCh38, 1-based): chr12:5,976,115, C>T on the plus strand (G>A on the coding strand, the complement: VWF is on the minus strand). VCF-style: chr12-5976115-C-T. GRCh37 (hg19) VCF-style: chr12-6085281-C-T.
Other names: short protein forms R2478Q.
Identifiers: ClinVar variation 1330097 (VCV001330097.7), dbSNP rs111752224, ClinGen allele CA6401680.

ClinVar aggregate classification (germline): Uncertain significance. Review status: criteria provided, multiple submitters, no conflicts (2 of 4 stars). 5 submissions from 5 submitters: Uncertain significance (5). Last evaluated 2025-04-23.

Conditions:
VWF-related disorder. Also called: VWF-related condition; VWF-related disorders.

Allele frequency attached by ClinVar (database versions not stated): ESP Exome Variant Server 0.00015; gnomAD 0.00015 and 0.00016; TOPMed 0.00021; ExAC 0.00027.
gnomAD v4.1: 290 of 1,613,746 alleles (0.018%); highest among the groups gnomAD compares: Admixed American, 0.078%; no homozygotes.

Submissions (5):

PreventionGenetics, part of Exact Sciences
Classification: Uncertain significance for VWF-related condition. Last evaluated: 2025-04-23. Review status: criteria provided, single submitter. Criteria: ACMG Guidelines, 2015. Collection method: clinical testing. Allele origin: germline.
Comment: The VWF c.7433G>A variant is predicted to result in the amino acid substitution p.Arg2478Gln. This variant has not been reported in VWF-related germline diseases. This variant is reported in 0.42% of alleles in individuals of Ashkenazi Jewish descent in gnomAD. Although we suspect that this variant may be benign, at this time, the clinical significance of this variant is uncertain due to the absence of conclusive functional and genetic evidence.

Women's Health and Genetics/Laboratory Corporation of America, LabCorp
Classification: Uncertain significance. Last evaluated: 2024-09-13. Review status: criteria provided, single submitter. Criteria: LabCorp Variant Classification Summary - May 2015. Collection method: clinical testing. Allele origin: germline.
Comment: Variant summary: VWF c.7433G>A (p.Arg2478Gln) results in a conservative amino acid change located in the VWFC domain (IPR001007) of the encoded protein sequence. Five of five in-silico tools predict a benign effect of the variant on protein function. The variant allele was found at a frequency of 0.00036 in 250626 control chromosomes. This frequency is not significantly higher than estimated for a pathogenic variant in VWF causing Von Willebrand Disease, allowing no conclusion about variant significance. c.7433G>A has been reported in the literature in individuals affected with primary atypical teratoid rhabdoid tumors (Torchia_2017) and in control populations in other studies (Wang_2013, Pagliari_2021). These report(s) do not provide unequivocal conclusions about association of the variant with Von Willebrand Disease. To our knowledge, no experimental evidence demonstrating an impact on protein function has been reported. The following publications have been ascertained in the context of this evaluation (PMID: 34662354, 23216583, 27960086). ClinVar contains an entry for this variant (Variation ID: 1330097). Based on the evidence outlined above, the variant was classified as uncertain significance.

Revvity Omics, Revvity
Classification: Uncertain significance. Last evaluated: 2024-08-20. Review status: criteria provided, single submitter. Criteria: ACMG Guidelines, 2015. Collection method: clinical testing. Allele origin: germline.

Quest Diagnostics Nichols Institute San Juan Capistrano
Classification: Uncertain significance. Last evaluated: 2023-10-09. Review status: criteria provided, single submitter. Criteria: Quest Diagnostics criteria. Collection method: clinical testing. Allele origin: unknown.

Breakthrough Genomics
Classification: Uncertain significance. Review status: criteria provided, single submitter. Criteria: ACMG Guidelines, 2015. Collection method: not provided. Allele origin: germline. Inheritance: Autosomal recessive inheritance. Affected: yes.

Literature cited by the submitters: PubMed 34662354 (cited by Women's Health and Genetics/Laboratory Corporation of America, LabCorp and Quest Diagnostics Nichols Institute San Juan Capistrano); PubMed 23216583 (cited by Women's Health and Genetics/Laboratory Corporation of America, LabCorp and Quest Diagnostics Nichols Institute San Juan Capistrano); PubMed 27960086 (cited by Women's Health and Genetics/Laboratory Corporation of America, LabCorp).